The following is an entry in ClinVar:

ClinVar aggregate classification (germline): Uncertain significance (1 of 4 stars; one submission).

Submission:

Dasa
Classification: Uncertain significance. Last evaluated: 2025-05-27. Review status: criteria provided, single submitter. Criteria: DASA Assertion Criteria. Collection method: clinical testing. Allele origin: germline.
Comment: NM_015656.2(KIF26A):c.787C>T (p.Pro263Ser) is a missense variant that results in the substitution of proline with serine. This variant is rare in population databases. Computational prediction algorithms are consistent with a benign effect. The currently available literature and clinical evidence are not sufficient to establish a definitive association between this variant and the reported condition. Therefore, this variant is classified as a variant of uncertain significance.

NM_015656.2(KIF26A):c.787C>T (p.Pro263Ser)

Gene: KIF26A (kinesin family member 26A; plus strand). Cytogenetic location: 14q32.33.
Variant type: single nucleotide variant.
Coding change: c.787C>T on transcript NM_015656.2 (MANE Select); coding-DNA position 787, C replaced by T.
Protein change: p.Pro263Ser; replaces proline 263 with serine.
Molecular consequence: missense variant.
Genome position (GRCh38, 1-based): chr14:104,157,806, C>T. VCF-style: chr14-104157806-C-T. GRCh37 (hg19) VCF-style: chr14-104624143-C-T.
Other names: short protein forms P263S.
Identifiers: ClinVar variation 4883036 (VCV004883036.2).